The following is an entry in ClinVar:

NM_001136035.4(TRMT1):c.1767G>A (p.Glu589=)

Gene: TRMT1 (tRNA methyltransferase 1; minus strand). Cytogenetic location: 19p13.13.
Variant type: single nucleotide variant.
Coding change: c.1767G>A on transcript NM_001136035.4 (MANE Select); coding-DNA position 1767, G replaced by A.
Protein change: p.Glu589=; no amino-acid change (glutamic acid 589 retained).
Molecular consequence: synonymous variant.
Genome position (GRCh38, 1-based): chr19:13,105,333, C>T on the plus strand (G>A on the coding strand, the complement: TRMT1 is on the minus strand). VCF-style: chr19-13105333-C-T. GRCh37 (hg19) VCF-style: chr19-13216147-C-T.
Other names: c.1680G>A, p.Glu560= (NM_001142554.3, NM_001351760.2); c.1659G>A, p.Glu553= (NM_001351761.2); c.984G>A, p.Glu328= (NM_001351762.2); c.1767G>A, p.Glu589= (NM_017722.5).
Identifiers: ClinVar variation 3770649 (VCV003770649.13).

ClinVar aggregate classification (germline): Likely benign (1 of 4 stars; one submission).

gnomAD v4.1: 2,971 of 1,614,020 alleles (0.18%); highest among the groups gnomAD compares: Non-Finnish European, 0.23%; 3 homozygotes.

Submission:

CeGaT Center for Human Genetics Tuebingen
Classification: Likely benign. Last evaluated: 2025-10-01. Review status: criteria provided, single submitter. Criteria: CeGaT Center For Human Genetics Tuebingen Variant Classification Criteria Version 2. Collection method: clinical testing. Allele origin: germline. Affected: yes. Observed: 5 variant alleles.
Comment: TRMT1: BP4, BP7